The following is an entry in ClinVar:

ClinVar aggregate classification (germline): Conflicting classifications of pathogenicity. Review status: criteria provided, conflicting classifications (1 of 4 stars). 2 submissions from 2 submitters: Likely pathogenic (1); Uncertain significance (1). Last evaluated 2023-08-31.

Conditions:
DEAF1-related disorder.

Submissions (2):

Labcorp Genetics (formerly Invitae), Labcorp
Classification: Uncertain significance. Last evaluated: 2023-08-31. Review status: criteria provided, single submitter. Criteria: Invitae Variant Classification Sherloc (09022015). Collection method: clinical testing. Allele origin: germline.
Comment: This variant is not present in population databases (gnomAD no frequency). This sequence change replaces glycine, which is neutral and non-polar, with aspartic acid, which is acidic and polar, at codon 220 of the DEAF1 protein (p.Gly220Asp). This variant has not been reported in the literature in individuals affected with DEAF1-related conditions. In summary, the available evidence is currently insufficient to determine the role of this variant in disease. Therefore, it has been classified as a Variant of Uncertain Significance. Advanced modeling of protein sequence and biophysical properties (such as structural, functional, and spatial information, amino acid conservation, physicochemical variation, residue mobility, and thermodynamic stability) performed at Invitae indicates that this missense variant is expected to disrupt DEAF1 protein function.

Blueprint Genetics
Classification: Likely pathogenic for DEAF1-related disorders. Last evaluated: 2019-02-22. Review status: criteria provided, single submitter. Criteria: ACMG Guidelines, 2015. Collection method: clinical testing. Allele origin: de novo. Affected: yes. Observed: 1 variant allele.

NM_021008.4(DEAF1):c.659G>A (p.Gly220Asp)

Gene: DEAF1 (DEAF1 transcription factor; minus strand). Cytogenetic location: 11p15.5.
Variant type: single nucleotide variant.
Coding change: c.659G>A on transcript NM_021008.4 (MANE Select); coding-DNA position 659, G replaced by A.
Protein change: p.Gly220Asp; replaces glycine 220 with aspartic acid.
Molecular consequence: missense variant. On other transcripts: 5 prime UTR variant (1).
Genome position (GRCh38, 1-based): chr11:687,916, C>T on the plus strand (G>A on the coding strand, the complement: DEAF1 is on the minus strand). VCF-style: chr11-687916-C-T. GRCh37 (hg19) VCF-style: chr11-687916-C-T.
Other names: c.659G>A, p.Gly220Asp (NM_001293634.2); c.-68G>A (NM_001367390.1); short protein forms G220D.
Identifiers: ClinVar variation 2756860 (VCV002756860.4), dbSNP rs2494454987, ClinGen allele CA378933293.